The following is an entry in ClinVar:

NM_015267.4(CUX2):c.4197G>A (p.Ser1399=)

Gene: CUX2 (cut like homeobox 2; plus strand). Cytogenetic location: 12q24.12.
Variant type: single nucleotide variant.
Coding change: c.4197G>A on transcript NM_015267.4 (MANE Select); coding-DNA position 4197, G replaced by A.
Protein change: p.Ser1399=; no amino-acid change (serine 1399 retained).
Molecular consequence: synonymous variant.
Genome position (GRCh38, 1-based): chr12:111,348,061, G>A. VCF-style: chr12-111348061-G-A. GRCh37 (hg19) VCF-style: chr12-111785865-G-A.
Other names: c.4011G>A, p.Ser1337= (NM_001370598.1).
Identifiers: ClinVar variation 4873639 (VCV004873639.2).

ClinVar aggregate classification (germline): Likely benign (1 of 4 stars; one submission).

gnomAD v4.1: 261 of 1,613,938 alleles (0.016%); highest among the groups gnomAD compares: East Asian, 0.48%; 1 homozygote.

Submission:

CeGaT Center for Human Genetics Tuebingen
Classification: Likely benign. Last evaluated: 2026-06-01. Review status: criteria provided, single submitter. Criteria: CeGaT Center For Human Genetics Tuebingen Variant Classification Criteria Version 2. Collection method: clinical testing. Allele origin: germline. Affected: yes. Observed: 1 variant allele.
Comment: CUX2: BP4, BP7, BS1